The following is an entry in ClinVar:

NM_001370466.1(NOD2):c.314G>A (p.Arg105Gln)

Gene: NOD2 (nucleotide binding oligomerization domain containing 2; plus strand). Cytogenetic location: 16q12.1.
Variant type: single nucleotide variant.
Coding change: c.314G>A on transcript NM_001370466.1 (MANE Select); coding-DNA position 314, G replaced by A.
Protein change: p.Arg105Gln; replaces arginine 105 with glutamine.
Molecular consequence: missense variant. On other transcripts: non-coding transcript variant (1).
Genome position (GRCh38, 1-based): chr16:50,699,809, G>A. VCF-style: chr16-50699809-G-A. GRCh37 (hg19) VCF-style: chr16-50733720-G-A.
Other names: c.314G>A, p.Arg105Gln (NM_001293557.2); c.395G>A, p.Arg132Gln (NM_022162.3); short protein forms R132Q, R105Q.
Identifiers: ClinVar variation 1480452 (VCV001480452.8), dbSNP rs781540619, ClinGen allele CA8051269.

ClinVar aggregate classification (germline): Uncertain significance (1 of 4 stars; one submission).

Conditions:
Regional enteritis. Also called: Enteritis, Granulomatous. Identifiers: MedGen C0678202, MeSH D003424.
Blau syndrome (BLAUS). Also called: GRANULOMATOSIS, FAMILIAL JUVENILE SYSTEMIC; GRANULOMATOSIS, FAMILIAL, BLAU TYPE; GRANULOMATOUS INFLAMMATORY ARTHRITIS, DERMATITIS, AND UVEITIS, FAMILIAL; JABS SYNDROME; ARTHROCUTANEOUVEAL GRANULOMATOSIS. Identifiers: Orphanet 90340, MedGen C5201146, MONDO:0008523, OMIM 186580.

Allele frequency attached by ClinVar (database versions not stated): gnomAD 0.00001; gnomAD exomes 0.00001 and 0.00003; TOPMed 0.00001; ExAC 0.00002.
gnomAD v4.1: 21 of 1,613,474 alleles (0.0013%); highest among the groups gnomAD compares: Middle Eastern, 0.016%; no homozygotes.

Submission:

Labcorp Genetics (formerly Invitae), Labcorp
Classification: Uncertain significance for Regional enteritis; Blau syndrome. Last evaluated: 2021-07-06. Review status: criteria provided, single submitter. Criteria: Invitae Variant Classification Sherloc (09022015). Collection method: clinical testing. Allele origin: germline.
Comment: In summary, the available evidence is currently insufficient to determine the role of this variant in disease. Therefore, it has been classified as a Variant of Uncertain Significance. Advanced modeling of protein sequence and biophysical properties (such as structural, functional, and spatial information, amino acid conservation, physicochemical variation, residue mobility, and thermodynamic stability) performed at Invitae indicates that this missense variant is not expected to disrupt NOD2 protein function. This variant has not been reported in the literature in individuals affected with NOD2-related conditions. This variant is present in population databases (rs781540619, ExAC 0.01%). This sequence change replaces arginine with glutamine at codon 132 of the NOD2 protein (p.Arg132Gln). The arginine residue is weakly conserved and there is a small physicochemical difference between arginine and glutamine.